The following is an entry in ClinVar:

NM_152424.4(AMER1):c.325G>A (p.Val109Ile)

Gene: AMER1 (APC membrane recruitment protein 1; minus strand). Cytogenetic location: Xq11.2.
Variant type: single nucleotide variant.
Coding change: c.325G>A on transcript NM_152424.4 (MANE Select); coding-DNA position 325, G replaced by A.
Protein change: p.Val109Ile; replaces valine 109 with isoleucine.
Molecular consequence: missense variant.
Genome position (GRCh38, 1-based): chrX:64,192,962, C>T on the plus strand (G>A on the coding strand, the complement: AMER1 is on the minus strand). VCF-style: chrX-64192962-C-T. GRCh37 (hg19) VCF-style: chrX-63412842-C-T.
Other names: short protein forms V109I.
Identifiers: ClinVar variation 2073801 (VCV002073801.4), dbSNP rs1930287829, ClinGen allele CA413311645.

ClinVar aggregate classification (germline): Uncertain significance (1 of 4 stars; one submission).

Allele frequency attached by ClinVar (database versions not stated): gnomAD exomes below 0.00001; gnomAD 0.00001.
gnomAD v4.1: 3 of 1,209,942 alleles (0.00025%); highest among the groups gnomAD compares: South Asian, 0.0018%; no homozygotes.

Submission:

Labcorp Genetics (formerly Invitae), Labcorp
Classification: Uncertain significance. Last evaluated: 2023-10-03. Review status: criteria provided, single submitter. Criteria: Invitae Variant Classification Sherloc (09022015). Collection method: clinical testing. Allele origin: germline.
Comment: This sequence change replaces valine, which is neutral and non-polar, with isoleucine, which is neutral and non-polar, at codon 109 of the AMER1 protein (p.Val109Ile). This variant is not present in population databases (gnomAD no frequency). This variant has not been reported in the literature in individuals affected with AMER1-related conditions. ClinVar contains an entry for this variant (Variation ID: 2073801). Algorithms developed to predict the effect of missense changes on protein structure and function output the following: SIFT: "Not Available"; PolyPhen-2: "Benign"; Align-GVGD: "Not Available". The isoleucine amino acid residue is found in multiple mammalian species, which suggests that this missense change does not adversely affect protein function. In summary, the available evidence is currently insufficient to determine the role of this variant in disease. Therefore, it has been classified as a Variant of Uncertain Significance.